The following is an entry in ClinVar:

ClinVar aggregate classification (germline): Likely benign. Review status: criteria provided, multiple submitters, no conflicts (2 of 4 stars). 3 submissions from 3 submitters: Likely benign (2). 1 of the submissions does not count toward it. Last evaluated 2026-01-25.

Conditions:
PPCS-related disorder. Also called: PPCS-related condition.

Allele frequency attached by ClinVar (database versions not stated): ExAC 0.00007; ESP Exome Variant Server 0.00017; gnomAD 0.00031 and 0.00032; TOPMed 0.00028; 1000 Genomes Project 30x 0.00031; gnomAD exomes 0.00006; 1000 Genomes Project 0.00020.
gnomAD v4.1: 79 of 1,613,294 alleles (0.0049%); highest among the groups gnomAD compares: African/African-American, 0.084%; no homozygotes.

Submissions (3):

Labcorp Genetics (formerly Invitae), Labcorp
Classification: Likely benign. Last evaluated: 2026-01-25. Review status: criteria provided, single submitter. Criteria: Invitae Variant Classification Sherloc (09022015). Collection method: clinical testing. Allele origin: germline.

Blueprint Genetics
Classification: Likely benign. Last evaluated: 2023-01-12. Review status: criteria provided, single submitter. Criteria: ACMG Guidelines, 2015. Collection method: clinical testing. Allele origin: germline.

PreventionGenetics, part of Exact Sciences
Classification: Likely benign for PPCS-related condition. Last evaluated: 2023-07-30. Review status: no assertion criteria provided. Collection method: clinical testing. Allele origin: germline. Not counted in ClinVar's aggregate classification.
Comment: This variant is classified as likely benign based on ACMG/AMP sequence variant interpretation guidelines (Richards et al. 2015 PMID: 25741868, with internal and published modifications).

NM_024664.4(PPCS):c.606A>T (p.Pro202=)

Genes: CCDC30 (coiled-coil domain containing 30; plus strand), PPCS (phosphopantothenoylcysteine synthetase; plus strand). Cytogenetic location: 1p34.2.
Variant type: single nucleotide variant.
Coding change: c.606A>T on transcript NM_024664.4 (MANE Select); coding-DNA position 606, A replaced by T.
Protein change: p.Pro202=; no amino-acid change (proline 202 retained).
Molecular consequence: synonymous variant. On other transcripts: 5 prime UTR variant (2).
Genome position (GRCh38, 1-based): chr1:42,457,344, A>T. VCF-style: chr1-42457344-A-T. GRCh37 (hg19) VCF-style: chr1-42923015-A-T.
Other names: c.-886A>T (NM_001355226.2); c.87A>T, p.Pro29= (NM_001077447.3, NM_001287506.1, NM_001287508.2 and 2 more transcripts); c.-230A>T (NM_001287507.1); c.606A>T, p.Pro202= (NM_001287511.2).
Identifiers: ClinVar variation 1585247 (VCV001585247.11), dbSNP rs371461760, ClinGen allele CA800018.